The following is an entry in ClinVar:

NM_001110556.2(FLNA):c.3410A>G (p.Asn1137Ser)

Gene: FLNA (filamin A; minus strand). Cytogenetic location: Xq28.
Variant type: single nucleotide variant.
Coding change: c.3410A>G on transcript NM_001110556.2 (MANE Select); coding-DNA position 3410, A replaced by G.
Protein change: p.Asn1137Ser; replaces asparagine 1137 with serine.
Molecular consequence: missense variant.
Genome position (GRCh38, 1-based): chrX:154,360,385, T>C on the plus strand (A>G on the coding strand, the complement: FLNA is on the minus strand). VCF-style: chrX-154360385-T-C. GRCh37 (hg19) VCF-style: chrX-153588753-T-C.
Other names: c.3410A>G, p.Asn1137Ser (NM_001456.4); short protein forms N1137S.
Identifiers: ClinVar variation 3236635 (VCV003236635.1), dbSNP rs2522741475, ClinGen allele CA415227853.

ClinVar aggregate classification (germline): Uncertain significance (1 of 4 stars; one submission).

Conditions:
Oto-palato-digital syndrome, type I (OPD1). Also called: OPD I SYNDROME; OPD SYNDROME 1; Taybi syndrome; Otopalatodigital Syndrome, Type I; Otopalatodigital Syndrome Type 1 (FLNA-OPD1). Identifiers: Orphanet 669, Orphanet 90650, MedGen C0265251, MONDO:0010704, OMIM 311300.
Oto-palato-digital syndrome, type II (OPD2). Also called: FACIOPALATOOSSEOUS SYNDROME; OPD II SYNDROME; Otopalatodigital Syndrome, Type II; Otopalatodigital Syndrome Type 2 (FLNA-OPD2). Identifiers: Orphanet 669, Orphanet 90652, MedGen C1844696, MONDO:0010571, OMIM 304120.

Submission:

Clinical Genomics Laboratory, Washington University in St. Louis
Classification: Uncertain significance for Oto-palato-digital syndrome, type I; Oto-palato-digital syndrome, type II. Last evaluated: 2023-11-19. Review status: criteria provided, single submitter. Criteria: ACMG Guidelines, 2015. Collection method: clinical testing. Allele origin: germline.
Comment: The FLNA c.3410A>G (p.Asn1137Ser) variant, to our knowledge, has not been reported in the medical literature and is absent from the general population (gnomAD v.2.1.1), indicating it is not a common variant. This variant occurs in an exon that is enriched for pathogenic missense variation (Mutscore; Quinodoz M et al., PMID: 35120630) in an Ig-like fold but computational predictors are uncertain as to the impact of this variant on FLNA function. Due to limited information, and based on ACMG/AMP guidelines for variant interpretation (Richards S et al., PMID: 25741868), the clinical significance of this variant is uncertain at this time.